The following is an entry in ClinVar:

ClinVar aggregate classification (germline): Uncertain significance (1 of 4 stars; one submission).

Allele frequency attached by ClinVar (database versions not stated): TOPMed below 0.00001.

Submission:

Athena Diagnostics
Classification: Uncertain significance. Last evaluated: 2025-05-02. Review status: criteria provided, single submitter. Criteria: Athena Diagnostics Criteria. Collection method: clinical testing. Allele origin: unknown.
Comment: Available data are insufficient to determine the clinical significance of the variant at this time. The frequency of this variant in the general population is uninformative in assessment of its pathogenicity. Polyphen and MutationTaster predict this amino acid change may be benign.

NM_031475.3(ESPN):c.667G>C (p.Val223Leu)

Genes: ESPN (espin; plus strand), LOC129929241 (ATAC-STARR-seq lymphoblastoid silent region 155; plus strand). Cytogenetic location: 1p36.31.
Variant type: single nucleotide variant.
Coding change: c.667G>C on transcript NM_031475.3 (MANE Select); coding-DNA position 667, G replaced by C.
Protein change: p.Val223Leu; replaces valine 223 with leucine.
Molecular consequence: missense variant.
Genome position (GRCh38, 1-based): chr1:6,440,432, G>C. VCF-style: chr1-6440432-G-C. GRCh37 (hg19) VCF-style: chr1-6500492-G-C.
Other names: c.667G>C, p.Val223Leu (NM_001367473.1, NM_001367474.1); short protein forms V223L.
Identifiers: ClinVar variation 804795 (VCV000804795.3), dbSNP rs1456264982, ClinGen allele CA338089619.
Genomic context (GRCh38, chr1:6,440,432, plus strand): 5'-GCCCACGACGGCATGACCCCGCTGCACGCCGCGGCGCAGATGGGCCACAGCCCAGTCATC[G>C]TGTGGTTGGTGAGCTCCGGGCCCGGGCGGGGAGCAGGGGAGGCGGGGCGGAGCCGGCAGG-3'
Protein context (NP_113663.2, residues 213-233): AAQMGHSPVI[Val223Leu]WLVSCTDVSL